The following is an entry in ClinVar:

ClinVar aggregate classification (germline): Benign/Likely benign. Review status: criteria provided, multiple submitters, no conflicts (2 of 4 stars). 3 submissions from 3 submitters: Benign (1); Likely benign (2). Last evaluated 2025-02-06.

Conditions:
Hereditary nonpolyposis colorectal neoplasms. Identifiers: MedGen C0009405, MeSH D003123.
Lynch syndrome 5 (LYNCH5). Also called: Hereditary non-polyposis colorectal cancer, type 5; Colorectal cancer, hereditary nonpolyposis, type 5. Identifiers: Orphanet 144, MedGen C1833477, MONDO:0013710, OMIM 614350. Disease mechanism: loss of function.
Hereditary cancer-predisposing syndrome. Also called: Hereditary Cancer Syndrome; Neoplastic Syndromes, Hereditary; Hereditary neoplastic syndrome; Tumor predisposition. Identifiers: Orphanet 140162, MedGen C0027672, MeSH D009386, MONDO:0015356.

Submissions (3):

Labcorp Genetics (formerly Invitae), Labcorp
Classification: Likely benign for Hereditary nonpolyposis colorectal neoplasms. Last evaluated: 2025-02-06. Review status: criteria provided, single submitter. Criteria: Invitae Variant Classification Sherloc (09022015). Collection method: clinical testing. Allele origin: germline.

Ambry Genetics
Classification: Likely benign for Hereditary cancer-predisposing syndrome. Last evaluated: 2024-12-28. Review status: criteria provided, single submitter. Criteria: Ambry Variant Classification Scheme 2023. Collection method: clinical testing. Allele origin: germline.

Myriad Genetics, Inc.
Classification: Benign for Lynch syndrome 5. Last evaluated: 2024-12-27. Review status: criteria provided, single submitter. Criteria: Myriad Autosomal Dominant, Autosomal Recessive and X-Linked Classification Criteria (2023). Collection method: clinical testing. Allele origin: unknown.
Comment: This variant is considered benign. This variant is a silent/synonymous amino acid change and it is not expected to impact splicing.

NM_000179.3(MSH6):c.1731C>T (p.Arg577=)

Gene: MSH6 (mutS homolog 6; plus strand). Cytogenetic location: 2p16.3.
Variant type: single nucleotide variant.
Coding change: c.1731C>T on transcript NM_000179.3 (MANE Select); coding-DNA position 1731, C replaced by T.
Protein change: p.Arg577=; no amino-acid change (arginine 577 retained).
Molecular consequence: synonymous variant.
Genome position (GRCh38, 1-based): chr2:47,799,714, C>T. VCF-style: chr2-47799714-C-T. GRCh37 (hg19) VCF-style: chr2-48026853-C-T.
Other names: c.1341C>T, p.Arg447= (NM_001281492.2); c.825C>T, p.Arg275= (NM_001281493.2, NM_001281494.2); c.1731C>T (NM_000179.2).
Identifiers: ClinVar variation 1089857 (VCV001089857.11), dbSNP rs2104363857, ClinGen allele CA426121016.
Genomic context (GRCh38, chr2:47,799,714, plus strand): 5'-TGTGTGCTTTGTTGATACTTCACTGGGAAAGTTTTTCATAGGTCAGTTTTCAGATGATCG[C>T]CATTGTTCGAGATTTAGGACTCTAGTGGCACACTATCCCCCAGTACAAGTTTTATTTGAA-3'
Protein context (NP_000170.1, residues 567-587): KFFIGQFSDD[Arg577=]HCSRFRTLVA